The following is an entry in ClinVar:

ClinVar aggregate classification (germline): Uncertain significance. Review status: criteria provided, multiple submitters, no conflicts (2 of 4 stars). 2 submissions from 2 submitters: Uncertain significance (2). Last evaluated 2026-01-14.

Conditions:
Inborn genetic diseases. Identifiers: MedGen C0950123, MeSH D030342.
Spastic paraplegia. Identifiers: MedGen C0037772, HP:0001258.

gnomAD v4.1: 11 of 1,613,762 alleles (0.00068%); highest among the groups gnomAD compares: Non-Finnish European, 0.00059%; no homozygotes.

Submissions (2):

Labcorp Genetics (formerly Invitae), Labcorp
Classification: Uncertain significance for Spastic paraplegia. Last evaluated: 2026-01-14. Review status: criteria provided, single submitter. Criteria: Invitae Variant Classification Sherloc (09022015). Collection method: clinical testing. Allele origin: germline.
Comment: This sequence change replaces glutamic acid, which is acidic and polar, with glutamine, which is neutral and polar, at codon 121 of the ZFYVE26 protein (p.Glu121Gln). This variant is present in population databases (rs201229339, gnomAD 0.0009%). This variant has not been reported in the literature in individuals affected with ZFYVE26-related conditions. ClinVar contains an entry for this variant (Variation ID: 3473643). An algorithm developed to predict the effect of missense changes on protein structure and function (PolyPhen-2) suggests that this variant is likely to be tolerated. In summary, the available evidence is currently insufficient to determine the role of this variant in disease. Therefore, it has been classified as a Variant of Uncertain Significance.

Ambry Genetics
Classification: Uncertain significance for Inborn genetic diseases. Last evaluated: 2024-09-11. Review status: criteria provided, single submitter. Criteria: Ambry Variant Classification Scheme 2023. Collection method: clinical testing. Allele origin: germline.

NM_015346.4(ZFYVE26):c.361G>C (p.Glu121Gln)

Gene: ZFYVE26 (zinc finger FYVE-type containing 26; minus strand). Cytogenetic location: 14q24.1.
Variant type: single nucleotide variant.
Coding change: c.361G>C on transcript NM_015346.4 (MANE Select); coding-DNA position 361, G replaced by C.
Protein change: p.Glu121Gln; replaces glutamic acid 121 with glutamine.
Molecular consequence: missense variant.
Genome position (GRCh38, 1-based): chr14:67,809,202, C>G on the plus strand (G>C on the coding strand, the complement: ZFYVE26 is on the minus strand). VCF-style: chr14-67809202-C-G. GRCh37 (hg19) VCF-style: chr14-68275919-C-G.
Other names: short protein forms E121Q.
Identifiers: ClinVar variation 3473643 (VCV003473643.2).